The following is an entry in ClinVar:

ClinVar aggregate classification (germline): Likely benign. Review status: criteria provided, multiple submitters, no conflicts (2 of 4 stars). 2 submissions from 2 submitters: Likely benign (2). Last evaluated 2024-05-06.

Allele frequency attached by ClinVar (database versions not stated): gnomAD exomes below 0.00001; TOPMed 0.00001; ExAC 0.00002.
gnomAD v4.1: 6 of 1,599,430 alleles (0.00038%); highest among the groups gnomAD compares: East Asian, 0.009%; no homozygotes.

Submissions (2):

Labcorp Genetics (formerly Invitae), Labcorp
Classification: Likely benign. Last evaluated: 2024-05-06. Review status: criteria provided, single submitter. Criteria: Invitae Variant Classification Sherloc (09022015). Collection method: clinical testing. Allele origin: germline.

Laboratory for Molecular Medicine, Mass General Brigham Personalized Medicine
Classification: Likely benign. Last evaluated: 2018-01-30. Review status: criteria provided, single submitter. Criteria: LMM Criteria. Collection method: clinical testing. Allele origin: germline. Observed: 1 variant allele.
Comment: Gly2216Gly in Exon 30 of GPR98: This variant is not expected to have clinical si gnificance because it does not alter an amino acid residue, is not located withi n the splice consensus sequence, and has been identified in 1/13560 African Amer ican chromosomes by the Genome Aggregation Database (gnomAD; dbSNP rs767618412).

NM_032119.4(ADGRV1):c.6648G>T (p.Gly2216=)

Gene: ADGRV1 (adhesion G protein-coupled receptor V1; plus strand). Cytogenetic location: 5q14.3.
Variant type: single nucleotide variant.
Coding change: c.6648G>T on transcript NM_032119.4 (MANE Select); coding-DNA position 6648, G replaced by T.
Protein change: p.Gly2216=; no amino-acid change (glycine 2216 retained).
Molecular consequence: synonymous variant. On other transcripts: non-coding transcript variant (1).
Genome position (GRCh38, 1-based): chr5:90,690,018, G>T. VCF-style: chr5-90690018-G-T. GRCh37 (hg19) VCF-style: chr5-89985835-G-T.
Identifiers: ClinVar variation 504581 (VCV000504581.8), dbSNP rs767618412, ClinGen allele CA3339844.